The following is an entry in ClinVar:

ClinVar aggregate classification (germline): Uncertain significance (1 of 4 stars; one submission).

Conditions:
Ataxia-telangiectasia-like disorder (ATLD). Identifiers: MedGen C1858391, MONDO:0011457.

Submission:

Labcorp Genetics (formerly Invitae), Labcorp
Classification: Uncertain significance for Ataxia-telangiectasia-like disorder. Last evaluated: 2022-06-09. Review status: criteria provided, single submitter. Criteria: Invitae Variant Classification Sherloc (09022015). Collection method: clinical testing. Allele origin: germline.
Comment: In summary, the available evidence is currently insufficient to determine the role of this variant in disease. Therefore, it has been classified as a Variant of Uncertain Significance. Algorithms developed to predict the effect of missense changes on protein structure and function (SIFT, PolyPhen-2, Align-GVGD) all suggest that this variant is likely to be tolerated. This variant has not been reported in the literature in individuals affected with MRE11-related conditions. This variant is not present in population databases (gnomAD no frequency). This sequence change replaces glutamine, which is neutral and polar, with arginine, which is basic and polar, at codon 629 of the MRE11 protein (p.Gln629Arg).

NM_005591.4(MRE11):c.1886A>G (p.Gln629Arg)

Gene: MRE11 (MRE11 double strand break repair nuclease; minus strand). Cytogenetic location: 11q21.
Variant type: single nucleotide variant.
Coding change: c.1886A>G on transcript NM_005591.4 (MANE Select); coding-DNA position 1886, A replaced by G.
Protein change: p.Gln629Arg; replaces glutamine 629 with arginine.
Molecular consequence: missense variant.
Genome position (GRCh38, 1-based): chr11:94,437,217, T>C on the plus strand (A>G on the coding strand, the complement: MRE11 is on the minus strand). VCF-style: chr11-94437217-T-C. GRCh37 (hg19) VCF-style: chr11-94170383-T-C.
Other names: c.1883A>G, p.Gln628Arg (NM_001330347.2); c.1802A>G, p.Gln601Arg (NM_005590.4); short protein forms Q629R, Q601R, Q628R.
Identifiers: ClinVar variation 2004040 (VCV002004040.4), dbSNP rs2496220686, ClinGen allele CA382374822.